The following is an entry in ClinVar:

ClinVar aggregate classification (germline): Uncertain significance (1 of 4 stars; one submission).

Conditions:
Cerebral cavernous malformation 2. Also called: Familial Cerebral Cavernous Malformation 2. Identifiers: Orphanet 221061, MedGen C1864041, MONDO:0011304, OMIM 603284.

Submission:

Labcorp Genetics (formerly Invitae), Labcorp
Classification: Uncertain significance for Cerebral cavernous malformation 2. Last evaluated: 2022-07-02. Review status: criteria provided, single submitter. Criteria: Invitae Variant Classification Sherloc (09022015). Collection method: clinical testing. Allele origin: germline.
Comment: In summary, the available evidence is currently insufficient to determine the role of this variant in disease. Therefore, it has been classified as a Variant of Uncertain Significance. Algorithms developed to predict the effect of missense changes on protein structure and function are either unavailable or do not agree on the potential impact of this missense change (SIFT: "Not Available"; PolyPhen-2: "Probably Damaging"; Align-GVGD: "Not Available"). This missense change has been observed in individual(s) with cerebral cavernous malformations (Invitae). Information on the frequency of this variant in the gnomAD database is not available, as this variant may be reported differently in the database. This variant, c.358_359delinsAA, is a complex sequence change that results in the deletion of 1 and insertion of 1 amino acid(s) in the CCM2 protein (p.Val120Asn).

NM_031443.4(CCM2):c.358_359delinsAA (p.Val120Asn)

Gene: CCM2 (CCM2 scaffold protein; plus strand). Cytogenetic location: 7p13.
Variant type: Indel.
Coding change: c.358_359delinsAA on transcript NM_031443.4 (MANE Select); coding-DNA positions 358 to 359, GT replaced by AA.
Protein change: p.Val120Asn; replaces valine 120 with asparagine.
Molecular consequence: missense variant. On other transcripts: non-coding transcript variant (1).
Genome position (GRCh38, 1-based): chr7:45,064,532-45,064,533, GT replaced by AA. VCF-style: chr7-45064532-GT-AA. GRCh37 (hg19) VCF-style: chr7-45104131-GT-AA.
Other names: c.421_422delinsAA, p.Val141Asn (NM_001029835.2); c.184_185delinsAA, p.Val62Asn (NM_001167934.2, NM_001363459.2); c.358_359delinsAA, p.Val120Asn (NM_001167935.2, NM_001363458.2); short protein forms V141N, V120N, V62N.
Identifiers: ClinVar variation 2135176 (VCV002135176.4), dbSNP rs2486112604, ClinGen allele CA2580077190.
Genomic context (GRCh38, chr7:45,064,532, plus strand): 5'-CAGCTTCCGGGACACTTGACTCAGGAGCACGATGCTGTGCTCAGCCTGTCTGCGTACAAC[GT>AA]CAAGCTGGCCTGGAGGGACGGGGAGGATATCATCCTCAGGGTGCCCATCCATGACATCGC-3'
Protein context (NP_113631.1, residues 110-130): DAVLSLSAYN[Val120Asn]KLAWRDGEDI